The following is an entry in ClinVar:

ClinVar aggregate classification (germline): Pathogenic (1 of 4 stars; one submission).

Conditions:
Duchenne muscular dystrophy (DMD). Also called: MUSCULAR DYSTROPHY, PSEUDOHYPERTROPHIC PROGRESSIVE, DUCHENNE TYPE; Duchenne Muscular Dystrophy (DMD). Identifiers: Orphanet 98896, MedGen C0013264, MONDO:0010679, OMIM 310200.

Submission:

Labcorp Genetics (formerly Invitae), Labcorp
Classification: Pathogenic for Duchenne muscular dystrophy. Last evaluated: 2018-11-12. Review status: criteria provided, single submitter. Criteria: Invitae Variant Classification Sherloc (09022015). Collection method: clinical testing. Allele origin: germline.
Comment: Loss-of-function variants in DMD are known to be pathogenic (PMID: 16770791, 25007885). This variant has not been reported in the literature in individuals with DMD-related disease. This variant is not present in population databases (ExAC no frequency). This sequence change creates a premature translational stop signal (p.Leu1478*) in the DMD gene. It is expected to result in an absent or disrupted protein product. For these reasons, this variant has been classified as Pathogenic.

Literature cited by the submitters: PubMed 16770791; PubMed 25007885.

NM_004006.3(DMD):c.4433T>G (p.Leu1478Ter)

Gene: DMD (dystrophin; minus strand). Cytogenetic location: Xp21.1.
Variant type: single nucleotide variant.
Coding change: c.4433T>G on transcript NM_004006.3 (MANE Select); coding-DNA position 4433, T replaced by G.
Protein change: p.Leu1478Ter; replaces leucine 1478 with a stop codon.
Molecular consequence: nonsense.
Genome position (GRCh38, 1-based): chrX:32,389,586, A>C on the plus strand (T>G on the coding strand, the complement: DMD is on the minus strand). VCF-style: chrX-32389586-A-C. GRCh37 (hg19) VCF-style: chrX-32407703-A-C.
Other names: c.4409T>G, p.Leu1470Ter (NM_000109.4); c.4421T>G, p.Leu1474Ter (NM_004009.3); c.4064T>G, p.Leu1355Ter (NM_004010.3); c.410T>G, p.Leu137Ter (NM_004011.4); c.401T>G, p.Leu134Ter (NM_004012.4); short protein forms L1355*, L134*, L137*, L1470*, L1474*, L1478*.
Identifiers: ClinVar variation 640379 (VCV000640379.7), dbSNP rs1603632312, ClinGen allele CA412663495.
Genomic context (GRCh38, chrX:32,389,586, plus strand): 5'-ACTACTTCCTGTTCCACACTCTTTGTTTCCAATGCAGGCAAGTGCATCTTCACTTCATCT[A>C]AAATCATCTTACTTTCTTGTAGACGCTGCTCAAAATTGGCTGGTTTCTGGAATAATCGAA-3'